The following is an entry in ClinVar:

NM_001018071.4(FRMPD2):c.1512C>T (p.Ile504=)

Gene: FRMPD2 (FERM and PDZ domain containing 2; minus strand). Cytogenetic location: 10q11.22.
Variant type: single nucleotide variant.
Coding change: c.1512C>T on transcript NM_001018071.4 (MANE Select); coding-DNA position 1512, C replaced by T.
Protein change: p.Ile504=; no amino-acid change (isoleucine 504 retained).
Molecular consequence: synonymous variant.
Genome position (GRCh38, 1-based): chr10:48,212,053, G>A on the plus strand (C>T on the coding strand, the complement: FRMPD2 is on the minus strand). VCF-style: chr10-48212053-G-A. GRCh37 (hg19) VCF-style: chr10-49420096-G-A.
Other names: c.1437C>T, p.Ile479= (NM_001318191.1).
Identifiers: ClinVar variation 4820760 (VCV004820760.4).

ClinVar aggregate classification (germline): Likely benign (1 of 4 stars; one submission).

gnomAD v4.1: 2,213 of 1,614,024 alleles (0.14%); highest among the groups gnomAD compares: South Asian, 0.76%; 18 homozygotes.

Submission:

CeGaT Center for Human Genetics Tuebingen
Classification: Likely benign. Last evaluated: 2026-01-01. Review status: criteria provided, single submitter. Criteria: CeGaT Center For Human Genetics Tuebingen Variant Classification Criteria Version 2. Collection method: clinical testing. Allele origin: germline. Affected: yes. Observed: 1 variant allele.
Comment: FRMPD2: BP4, BP7, BS2